The following is an entry in ClinVar:

NM_005032.7(PLS3):c.649G>A (p.Glu217Lys)

Gene: PLS3 (plastin 3; plus strand). Cytogenetic location: Xq23.
Variant type: single nucleotide variant.
Coding change: c.649G>A on transcript NM_005032.7 (MANE Select); coding-DNA position 649, G replaced by A.
Protein change: p.Glu217Lys; replaces glutamic acid 217 with lysine.
Molecular consequence: missense variant.
Genome position (GRCh38, 1-based): chrX:115,634,947, G>A. VCF-style: chrX-115634947-G-A. GRCh37 (hg19) VCF-style: chrX-114869259-G-A.
Other names: c.649G>A, p.Glu217Lys (NM_001136025.5); c.568G>A, p.Glu190Lys (NM_001172335.3); c.583G>A, p.Glu195Lys (NM_001282337.2); c.514G>A, p.Glu172Lys (NM_001282338.2); short protein forms E190K, E172K, E195K, E217K.
Identifiers: ClinVar variation 1466636 (VCV001466636.6), dbSNP rs2147551849, ClinGen allele CA414334010.

ClinVar aggregate classification (germline): Uncertain significance (1 of 4 stars; one submission).

Submission:

Labcorp Genetics (formerly Invitae), Labcorp
Classification: Uncertain significance. Last evaluated: 2021-08-04. Review status: criteria provided, single submitter. Criteria: Invitae Variant Classification Sherloc (09022015). Collection method: clinical testing. Allele origin: germline.
Comment: In summary, the available evidence is currently insufficient to determine the role of this variant in disease. Therefore, it has been classified as a Variant of Uncertain Significance. Algorithms developed to predict the effect of missense changes on protein structure and function (SIFT, PolyPhen-2, Align-GVGD) all suggest that this variant is likely to be tolerated. This variant has not been reported in the literature in individuals affected with PLS3-related conditions. This variant is not present in population databases (ExAC no frequency). This sequence change replaces glutamic acid with lysine at codon 217 of the PLS3 protein (p.Glu217Lys). The glutamic acid residue is moderately conserved and there is a small physicochemical difference between glutamic acid and lysine.